The following is an entry in ClinVar:

ClinVar aggregate classification (germline): Uncertain significance (1 of 4 stars; one submission).

Conditions:
Hereditary hemorrhagic telangiectasia (HHT). Also called: ORW DISEASE; Osler Weber Rendu syndrome; OSLER-RENDU-WEBER DISEASE; Osler hemorrhagic telangiectasia syndrome. Identifiers: Orphanet 774, MedGen C0039445, MONDO:0019180. Disease mechanism: loss of function.

Allele frequency attached by ClinVar (database versions not stated): gnomAD 0.00002; TOPMed 0.00001; gnomAD exomes 0.00001.
gnomAD v4.1: 10 of 1,613,084 alleles (0.00062%); highest among the groups gnomAD compares: Admixed American, 0.01%; no homozygotes.

Submission:

Labcorp Genetics (formerly Invitae), Labcorp
Classification: Uncertain significance for Hereditary hemorrhagic telangiectasia. Last evaluated: 2016-12-27. Review status: criteria provided, single submitter. Criteria: Invitae Variant Classification Sherloc (09022015). Collection method: clinical testing. Allele origin: germline.
Comment: In summary, this is a novel intronic change with uncertain impact on splicing. It has been classified as a Variant of Uncertain Significance. Algorithms developed to predict the effect of sequence changes on RNA splicing suggest that this variant may alter RNA splicing, but this prediction has not been confirmed by published transcriptional studies. This variant is not present in population databases (ExAC no frequency) and has not been reported in the literature in individuals with a ENG-related disease. This sequence change falls in intron 10 of the ENG gene. It does not directly change the encoded amino acid sequence of the ENG protein.

NM_001114753.3(ENG):c.1311+6A>G

Genes: ENG (endoglin; minus strand), LOC102723566 (uncharacterized LOC102723566; plus strand). Cytogenetic location: 9q34.11.
Variant type: single nucleotide variant.
Coding change: c.1311+6A>G on transcript NM_001114753.3 (MANE Select); 6 bases into the intron after coding-DNA position 1311, A replaced by G.
Molecular consequence: intron variant.
Genome position (GRCh38, 1-based): chr9:127,819,616, T>C on the plus strand (A>G on the coding strand, the complement: ENG is on the minus strand). VCF-style: chr9-127819616-T-C. GRCh37 (hg19) VCF-style: chr9-130581895-T-C.
Other names: c.1311+6A>G (NM_000118.4); c.765+6A>G (NM_001278138.2).
Identifiers: ClinVar variation 407124 (VCV000407124.8), dbSNP rs1060501416, ClinGen allele CA16612405.